The following is an entry in ClinVar:

NM_001267550.2(TTN):c.76904dup (p.Asn25635fs)

Genes: TTN (titin; minus strand), TTN-AS1 (TTN antisense RNA 1; plus strand). Cytogenetic location: 2q31.2.
Variant type: Duplication.
Coding change: c.76904dup on transcript NM_001267550.2 (MANE Select); coding-DNA position 76904, one base duplicated (A; older notation c.76904dupA).
Protein change: p.Asn25635fs; shifts the reading frame from asparagine 25635.
Molecular consequence: frameshift variant.
Genome position (GRCh38, 1-based): chr2:178,569,228, T duplicated on the plus strand (A on the coding strand, the reverse complement: TTN is on the minus strand); the first of 6 consecutive T bases (chr2:178,569,228-178,569,233); duplicating any one gives the same sequence. VCF-style (leftmost placement, unchanged base first): chr2-178569227-A-AT. GRCh37 (hg19) VCF-style: chr2-179433954-A-AT.
Other names: c.76904_76905insA (NM_001267550.2); c.71981dup, p.Asn23994fs (NM_001256850.1); c.49709dup, p.Asn16570fs (NM_003319.4); c.69200dup, p.Asn23067fs (NM_133378.4); c.50084dup, p.Asn16695fs (NM_133432.3); c.50285dup, p.Asn16762fs (NM_133437.4); short protein forms N25635fs, N16570fs, N16695fs, N23994fs, N16762fs, N23067fs.
Identifiers: ClinVar variation 520486 (VCV000520486.6), dbSNP rs1553601017, ClinGen allele CA658796028.

ClinVar aggregate classification (germline): Likely pathogenic. Review status: criteria provided, multiple submitters, no conflicts (2 of 4 stars). 2 submissions from 2 submitters: Likely pathogenic (2). Last evaluated 2022-04-25.

Conditions:
Cardiovascular phenotype. Identifiers: MedGen CN230736.
Myopathy, myofibrillar, 9, with early respiratory failure (MFM9). Also called: Myopathy, distal, with early respiratory failure, autosomal dominant; EDSTROM MYOPATHY; MYOPATHY, PROXIMAL, WITH EARLY RESPIRATORY MUSCLE INVOLVEMENT; Hereditary myopathy with early respiratory failure. Identifiers: Orphanet 178464, Orphanet 34521, MedGen C1863599, MONDO:0011362, OMIM 603689.
Early-onset myopathy with fatal cardiomyopathy (CMYO5). Also called: CONGENITAL MYOPATHY 5 WITH CARDIOMYOPATHY; Salih Myopathy. Identifiers: Orphanet 289377, MedGen C2673677, MONDO:0012714, OMIM 611705. Disease mechanism: loss of function.
Autosomal recessive limb-girdle muscular dystrophy type 2J (LGMDR10). Also called: MUSCULAR DYSTROPHY, LIMB-GIRDLE, AUTOSOMAL RECESSIVE 10; Limb-girdle muscular dystrophy, type 2J. Identifiers: Orphanet 140922, MedGen C1837342, MONDO:0012127, OMIM 608807.
Dilated cardiomyopathy 1G (CMD1G). Identifiers: Orphanet 154, MedGen C1858763, MONDO:0011400, OMIM 604145.
Hypertrophic cardiomyopathy 9. Also called: Familial hypertrophic cardiomyopathy 9. Identifiers: MedGen C1861065, MONDO:0013412, OMIM 613765.
Tibial muscular dystrophy (TMD). Also called: UDD MYOPATHY; Tibial muscular dystrophy, tardive; Udd Distal Myopathy – Tibial Muscular Dystrophy. Identifiers: Orphanet 609, MedGen C1838244, MONDO:0010870, OMIM 600334.

Submissions (2):

Molecular Diagnostic Laboratory for Inherited Cardiovascular Disease, Montreal Heart Institute
Classification: Likely pathogenic for Cardiovascular phenotype. Last evaluated: 2022-04-25. Review status: criteria provided, single submitter. Criteria: ACMG Guidelines, 2015. Collection method: clinical testing. Allele origin: germline. Affected: yes.

Juno Genomics, Hangzhou Juno Genomics, Inc
Classification: Likely pathogenic for Early-onset myopathy with fatal cardiomyopathy; Dilated cardiomyopathy 1G; Hypertrophic cardiomyopathy 9; Autosomal recessive limb-girdle muscular dystrophy type 2J; Myopathy, myofibrillar, 9, with early respiratory failure; Tibial muscular dystrophy. Review status: criteria provided, single submitter. Criteria: ACMG Guidelines, 2015. Collection method: clinical testing. Allele origin: germline.
Comment: Absent from controls (or at extremely low frequency if recessive) in Genome Aggregation Database.;Null variant in a gene where loss of function (LOF) is a known mechanism of disease.